The following is an entry in ClinVar:

ClinVar aggregate classification (germline): Uncertain significance (1 of 4 stars; one submission).

gnomAD v4.1: 1 of 1,614,146 alleles (0.000062%); highest among the groups gnomAD compares: Non-Finnish European, 0.000085%; no homozygotes.

Submissions (2):

Labcorp Genetics (formerly Invitae), Labcorp
Classification: Uncertain significance. Last evaluated: 2021-11-04. Review status: criteria provided, single submitter. Criteria: Invitae Variant Classification Sherloc (09022015). Collection method: clinical testing. Allele origin: germline.
Comment: This sequence change falls in intron 4 of the SRP72 gene. It does not directly change the encoded amino acid sequence of the SRP72 protein. It affects a nucleotide within the consensus splice site. This variant is not present in population databases (gnomAD no frequency). This variant has not been reported in the literature in individuals affected with SRP72-related conditions. Variants that disrupt the consensus splice site are a relatively common cause of aberrant splicing (PMID: 17576681, 9536098). Algorithms developed to predict the effect of sequence changes on RNA splicing suggest that this variant may disrupt the consensus splice site. In summary, the available evidence is currently insufficient to determine the role of this variant in disease. Therefore, it has been classified as a Variant of Uncertain Significance.

Dr. Peter K. Rogan Lab, Western University
No classification provided (evidence only). Condition: Ovarian serous cystadenocarcinoma. Review status: no classification provided. Collection method: in vitro. Allele origin: not applicable. Functional consequence: retained intron. Not counted in ClinVar's aggregate classification.

Literature cited by the submitters: PubMed 17576681 (cited by Labcorp Genetics (formerly Invitae), Labcorp); PubMed 9536098 (cited by Labcorp Genetics (formerly Invitae), Labcorp).

NM_006947.4(SRP72):c.498+6T>C

Gene: SRP72 (signal recognition particle 72; plus strand). Cytogenetic location: 4q12.
Variant type: single nucleotide variant.
Coding change: c.498+6T>C on transcript NM_006947.4 (MANE Select); 6 bases into the intron after coding-DNA position 498, T replaced by C.
Molecular consequence: intron variant.
Genome position (GRCh38, 1-based): chr4:56,474,203, T>C. VCF-style: chr4-56474203-T-C. GRCh37 (hg19) VCF-style: chr4-57340369-T-C.
Other names: c.498+6T>C (NM_001267722.2).
Identifiers: ClinVar variation 1424437 (VCV001424437.7), dbSNP rs2110113831, ClinGen allele CA2573138339.